The following is an entry in ClinVar:

ClinVar aggregate classification (germline): Uncertain significance (1 of 4 stars; one submission).

Submission:

Labcorp Genetics (formerly Invitae), Labcorp
Classification: Uncertain significance. Last evaluated: 2025-09-09. Review status: criteria provided, single submitter. Criteria: Invitae Variant Classification Sherloc (09022015). Collection method: clinical testing. Allele origin: germline.
Comment: This sequence change replaces leucine, which is neutral and non-polar, with phenylalanine, which is neutral and non-polar, at codon 863 of the CFH protein (p.Leu863Phe). This variant is not present in population databases (gnomAD no frequency). This variant has not been reported in the literature in individuals affected with CFH-related conditions. ClinVar contains an entry for this variant (Variation ID: 1499915). An algorithm developed to predict the effect of missense changes on protein structure and function (PolyPhen-2) suggests that this variant is likely to be tolerated. In summary, the available evidence is currently insufficient to determine the role of this variant in disease. Therefore, it has been classified as a Variant of Uncertain Significance.

NM_000186.4(CFH):c.2587C>T (p.Leu863Phe)

Gene: CFH (complement factor H; plus strand). Cytogenetic location: 1q31.3.
Variant type: single nucleotide variant.
Coding change: c.2587C>T on transcript NM_000186.4 (MANE Select); coding-DNA position 2587, C replaced by T.
Protein change: p.Leu863Phe; replaces leucine 863 with phenylalanine.
Molecular consequence: missense variant.
Genome position (GRCh38, 1-based): chr1:196,736,997, C>T. VCF-style: chr1-196736997-C-T. GRCh37 (hg19) VCF-style: chr1-196706127-C-T.
Other names: short protein forms L863F.
Identifiers: ClinVar variation 1499915 (VCV001499915.8), dbSNP rs2149113241, ClinGen allele CA343993189.